The following is an entry in ClinVar:

NM_003919.3(SGCE):c.856C>G (p.Gln286Glu)

Genes: CASD1 (CAS1 domain sialic acid O acetyltransferase 1; plus strand), SGCE (sarcoglycan epsilon; minus strand). Cytogenetic location: 7q21.3.
Variant type: single nucleotide variant.
Coding change: c.856C>G on transcript NM_003919.3 (MANE Select); coding-DNA position 856, C replaced by G.
Protein change: p.Gln286Glu; replaces glutamine 286 with glutamic acid.
Molecular consequence: missense variant.
Genome position (GRCh38, 1-based): chr7:94,600,827, G>C on the plus strand (C>G on the coding strand, the complement: SGCE is on the minus strand). VCF-style: chr7-94600827-G-C. GRCh37 (hg19) VCF-style: chr7-94230139-G-C.
Other names: c.856C>G, p.Gln286Glu (NM_001099400.2, NM_001099401.2, NM_001346717.2); c.733C>G, p.Gln245Glu (NM_001301139.2, NM_001362809.2); c.964C>G, p.Gln322Glu (NM_001346713.2, NM_001346715.2); c.769C>G, p.Gln257Glu (NM_001346719.2, NM_001362807.2); c.583C>G, p.Gln195Glu (NM_001346720.2, NM_001362808.2); short protein forms Q286E, Q195E, Q257E, Q322E, Q245E.
Identifiers: ClinVar variation 579090 (VCV000579090.9), dbSNP rs775468466, ClinGen allele CA4348703.

ClinVar aggregate classification (germline): Uncertain significance. Review status: criteria provided, multiple submitters, no conflicts (2 of 4 stars). 2 submissions from 2 submitters: Uncertain significance (2). Last evaluated 2022-02-12.

Conditions:
Myoclonic dystonia 11 (DYT11). Also called: Myoclonic dystonia; Dystonia 11; Dystonia, alcohol responsive; Hereditary essential myoclonus; SGCE Myoclonus-Dystonia; Myoclonus-Dystonia. Identifiers: Orphanet 36899, MedGen C1834570, MONDO:0008044, OMIM 159900.

Allele frequency attached by ClinVar (database versions not stated): ExAC 0.00001; gnomAD exomes 0.00001.
gnomAD v4.1: 16 of 1,612,144 alleles (0.00099%); highest among the groups gnomAD compares: Non-Finnish European, 0.0013%; no homozygotes.

Submissions (2):

Fulgent Genetics
Classification: Uncertain significance for Myoclonic dystonia 11. Last evaluated: 2022-02-12. Review status: criteria provided, single submitter. Criteria: ACMG Guidelines, 2015. Collection method: clinical testing. Allele origin: unknown.

Labcorp Genetics (formerly Invitae), Labcorp
Classification: Uncertain significance for Myoclonic dystonia 11. Last evaluated: 2018-02-13. Review status: criteria provided, single submitter. Criteria: Invitae Variant Classification Sherloc (09022015). Collection method: clinical testing. Allele origin: germline.
Comment: In summary, the available evidence is currently insufficient to determine the role of this variant in disease. Therefore, it has been classified as a Variant of Uncertain Significance. Algorithms developed to predict the effect of missense changes on protein structure and function (SIFT, PolyPhen-2, Align-GVGD) all suggest that this variant is likely to be tolerated, but these predictions have not been confirmed by published functional studies and their clinical significance is uncertain. This variant has not been reported in the literature in individuals with SGCE-related disease. This variant is present in population databases (rs775468466, ExAC 0.002%). This sequence change replaces glutamine with glutamic acid at codon 286 of the SGCE protein (p.Gln286Glu). The glutamine residue is moderately conserved and there is a small physicochemical difference between glutamine and glutamic acid.